The following is an entry in ClinVar:

ClinVar aggregate classification (germline): Uncertain significance. Review status: criteria provided, multiple submitters, no conflicts (2 of 4 stars). 3 submissions from 3 submitters: Uncertain significance (3). Last evaluated 2024-09-24.

Conditions:
Long QT syndrome (LQTS). Identifiers: MedGen C0023976, MeSH D008133, MONDO:0002442. Disease mechanism: loss of function. Inheritance: Various modes of inheritance.
Cardiac arrhythmia. Also called: Cardiac rhythm disease; Arrhythmia. Identifiers: MedGen C0003811, MONDO:0007263, HP:0011675.

Submissions (3):

Labcorp Genetics (formerly Invitae), Labcorp
Classification: Uncertain significance for Long QT syndrome. Last evaluated: 2024-09-24. Review status: criteria provided, single submitter. Criteria: Invitae Variant Classification Sherloc (09022015). Collection method: clinical testing. Allele origin: germline.
Comment: This sequence change replaces valine, which is neutral and non-polar, with methionine, which is neutral and non-polar, at codon 36 of the KCNH2 protein (p.Val36Met). This variant is not present in population databases (gnomAD no frequency). This variant has not been reported in the literature in individuals affected with KCNH2-related conditions. An algorithm developed to predict the effect of missense changes on protein structure and function (PolyPhen-2) suggests that this variant is likely to be tolerated. In summary, the available evidence is currently insufficient to determine the role of this variant in disease. Therefore, it has been classified as a Variant of Uncertain Significance.

All of Us Research Program, National Institutes of Health
Classification: Uncertain significance for Long QT syndrome. Last evaluated: 2024-05-14. Review status: criteria provided, single submitter. Criteria: ACMG Guidelines, 2015. Collection method: clinical testing. Allele origin: germline. Inheritance: Autosomal dominant inheritance. Observed: 1 variant allele, 1 heterozygote.
Comment: This missense variant replaces valine with methionine at codon 36 of the KCNH2 protein. Computational prediction suggests that this variant may not impact protein structure and function (internally defined REVEL score threshold <= 0.5, PMID: 27666373). To our knowledge, functional studies have not been reported for this variant. This variant has not been reported in individuals affected with KCNH2-related disorders in the literature. This variant has not been identified in the general population by the Genome Aggregation Database (gnomAD). The available evidence is insufficient to determine the role of this variant in disease conclusively. Therefore, this variant is classified as a Variant of Uncertain Significance.

This study involves interpretation of variants in research participants for the purpose of population health screening. Participant phenotype was not available at the time of variant classification. Additional details can be found in publication PMID: 35346344, PMCID: PMC8962531

Color Diagnostics, LLC DBA Color Health
Classification: Uncertain significance for Cardiac arrhythmia. Last evaluated: 2024-04-17. Review status: criteria provided, single submitter. Criteria: ACMG Guidelines, 2015. Collection method: clinical testing. Allele origin: germline.
Comment: This missense variant replaces valine with methionine at codon 36 of the KCNH2 protein. Computational prediction suggests that this variant may not impact protein structure and function. To our knowledge, functional studies have not been reported for this variant. This variant has not been reported in individuals affected with KCNH2-related disorders in the literature. This variant has not been identified in the general population by the Genome Aggregation Database (gnomAD). The available evidence is insufficient to determine the role of this variant in disease conclusively. Therefore, this variant is classified as a Variant of Uncertain Significance.

NM_000238.4(KCNH2):c.106G>A (p.Val36Met)

Gene: KCNH2 (potassium voltage-gated channel subfamily H member 2; minus strand). Cytogenetic location: 7q36.1.
Variant type: single nucleotide variant.
Coding change: c.106G>A on transcript NM_000238.4 (MANE Select); coding-DNA position 106, G replaced by A.
Protein change: p.Val36Met; replaces valine 36 with methionine.
Molecular consequence: missense variant. On other transcripts: 5 prime UTR variant (1), non-coding transcript variant (1).
Genome position (GRCh38, 1-based): chr7:150,974,912, C>T on the plus strand (G>A on the coding strand, the complement: KCNH2 is on the minus strand). VCF-style: chr7-150974912-C-T. GRCh37 (hg19) VCF-style: chr7-150672000-C-T.
Other names: c.-72G>A (NM_001406755.1); c.106G>A, p.Val36Met (NM_172056.3); short protein forms V36M.
Identifiers: ClinVar variation 3386919 (VCV003386919.4).